The following is an entry in ClinVar:

NM_016464.5(TMEM138):c.217C>T (p.Leu73Phe)

Gene: TMEM138 (transmembrane protein 138; plus strand). Cytogenetic location: 11q12.2.
Variant type: single nucleotide variant.
Coding change: c.217C>T on transcript NM_016464.5 (MANE Select); coding-DNA position 217, C replaced by T.
Protein change: p.Leu73Phe; replaces leucine 73 with phenylalanine.
Molecular consequence: missense variant. On other transcripts: non-coding transcript variant (1).
Genome position (GRCh38, 1-based): chr11:61,366,133, C>T. VCF-style: chr11-61366133-C-T. GRCh37 (hg19) VCF-style: chr11-61133605-C-T.
Other names: c.43C>T, p.Leu15Phe (NM_001330281.2); short protein forms L15F, L73F.
Identifiers: ClinVar variation 1492296 (VCV001492296.8), dbSNP rs1858141854, ClinGen allele CA380679021.

ClinVar aggregate classification (germline): Uncertain significance (1 of 4 stars; one submission).

Conditions:
Joubert syndrome 16 (JBTS16). Identifiers: Orphanet 2318, MedGen C3280906, MONDO:0013764, OMIM 614465.

Submission:

Labcorp Genetics (formerly Invitae), Labcorp
Classification: Uncertain significance for Joubert syndrome 16. Last evaluated: 2022-08-22. Review status: criteria provided, single submitter. Criteria: Invitae Variant Classification Sherloc (09022015). Collection method: clinical testing. Allele origin: germline.
Comment: In summary, the available evidence is currently insufficient to determine the role of this variant in disease. Therefore, it has been classified as a Variant of Uncertain Significance. Algorithms developed to predict the effect of missense changes on protein structure and function are either unavailable or do not agree on the potential impact of this missense change (SIFT: "Deleterious"; PolyPhen-2: "Possibly Damaging"; Align-GVGD: "Class C0"). ClinVar contains an entry for this variant (Variation ID: 1492296). This variant has not been reported in the literature in individuals affected with TMEM138-related conditions. This variant is not present in population databases (gnomAD no frequency). This sequence change replaces leucine, which is neutral and non-polar, with phenylalanine, which is neutral and non-polar, at codon 73 of the TMEM138 protein (p.Leu73Phe).